The following is an entry in ClinVar:

NM_000400.4(ERCC2):c.47A>G (p.Tyr16Cys)

Gene: ERCC2 (ERCC excision repair 2, TFIIH core complex helicase subunit; minus strand). Cytogenetic location: 19q13.32.
Variant type: single nucleotide variant.
Coding change: c.47A>G on transcript NM_000400.4 (MANE Select); coding-DNA position 47, A replaced by G.
Protein change: p.Tyr16Cys; replaces tyrosine 16 with cysteine.
Molecular consequence: missense variant. On other transcripts: 5 prime UTR variant (1).
Genome position (GRCh38, 1-based): chr19:45,370,191, T>C on the plus strand (A>G on the coding strand, the complement: ERCC2 is on the minus strand). VCF-style: chr19-45370191-T-C. GRCh37 (hg19) VCF-style: chr19-45873449-T-C.
Other names: c.-26A>G (NM_001130867.2); short protein forms Y16C.
Identifiers: ClinVar variation 134098 (VCV000134098.25), dbSNP rs147972150, ClinGen allele CA158761.

ClinVar aggregate classification (germline): Conflicting classifications of pathogenicity. Review status: criteria provided, conflicting classifications (1 of 4 stars). 12 submissions from 11 submitters: Likely pathogenic (1); Uncertain significance (6); Likely benign (3). 2 of the submissions do not count toward it. Last evaluated 2026-08-06.

Conditions:
ERCC2-related disorder. Also called: ERCC2-related disorders; ERCC2-related conditions; ERCC2-related condition. Identifiers: MedGen CN239291.
Ovarian cancer. Also called: OVARIAN CANCER, SOMATIC. Identifiers: Orphanet 213500, MedGen C1140680, MONDO:0008170, OMIM 167000.
Trichothiodystrophy 1, photosensitive (TTD1). Also called: TAY SYNDROME; TRICHOTHIODYSTROPHY WITH CONGENITAL ICHTHYOSIS; PIBIDS SYNDROME. Identifiers: Orphanet 33364, MedGen C1866504, MONDO:0011125, OMIM 601675.
Xeroderma pigmentosum (XP). Identifiers: Orphanet 910, MedGen C0043346, MONDO:0019600.
Xeroderma pigmentosum, group D (XPD). Also called: XERODERMA PIGMENTOSUM IV; XP, GROUP D; XP, GROUP H; XERODERMA PIGMENTOSUM, COMPLEMENTATION GROUP D; ERCC2-Related Xeroderma Pigmentosum. Identifiers: MedGen C0268138, MONDO:0010212, OMIM 278730.
Cerebrooculofacioskeletal syndrome 2 (COFS2). Identifiers: MedGen C1853102, MONDO:0012553, OMIM 610756.

Allele frequency attached by ClinVar (database versions not stated): gnomAD exomes 0.00013 and 0.00039; ExAC 0.00041; 1000 Genomes Project 0.00100; 1000 Genomes Project 30x 0.00109; gnomAD 0.00114 and 0.00125; TOPMed 0.00114; ESP Exome Variant Server 0.00146.

Submissions (12):

OLLIN Analises Genomicas, OLLIN
Classification: Uncertain significance. Last evaluated: 2026-08-06. Review status: criteria provided, single submitter. Criteria: ACMG Guidelines 2015 PMID 25741868. Collection method: clinical testing. Allele origin: germline.
Comment: This missense variant, located in exon 2 (of 23), has been reported in ClinVar (accession VCV000134098.23) and in gnomAD with an allele frequency of 0.023%. However, to our knowledge, it has not been reported in the scientific literature. In silico analysis predicts that this variant has a deleterious effect. According to the currently available evidence, this variant has been classified as uncertain significance (PM2_P, PP3).

Labcorp Genetics (formerly Invitae), Labcorp
Classification: Likely benign. Last evaluated: 2026-01-19. Review status: criteria provided, single submitter. Criteria: Invitae Variant Classification Sherloc (09022015). Collection method: clinical testing. Allele origin: germline.

Women's Health and Genetics/Laboratory Corporation of America, LabCorp
Classification: Likely benign. Last evaluated: 2025-07-14. Review status: criteria provided, single submitter. Criteria: LabCorp Variant Classification Summary - May 2015. Collection method: clinical testing. Allele origin: germline.
Comment: Variant summary: ERCC2 c.47A>G (p.Tyr16Cys) results in a non-conservative amino acid change in the encoded protein sequence. Algorithms developed to predict the effect of missense changes on protein structure and function all suggest that this variant is likely to be disruptive. The variant allele was found at a frequency of 0.00039 in 251072 control chromosomes, predominantly at a frequency of 0.0038 within the African or African-American subpopulation in the gnomAD database. The observed variant frequency within African or African-American control individuals in the gnomAD database is approximately 6.21 fold of the estimated maximal expected allele frequency for a pathogenic variant in ERCC2 causing Xeroderma Pigmentosum phenotype (0.00061). c.47A>G has been observed in an individual with an osteosarcoma, an individual with pancreatic adenocarcinoma, and in four individuals with lung cancer, without strong evidence of causality (example: Mirabello_2020, Rodrigues_2024, Trendowski_2025). These report(s) do not provide unequivocal conclusions about association of the variant with Xeroderma Pigmentosum. To our knowledge, no experimental evidence demonstrating an impact on protein function has been reported. The following publications have been ascertained in the context of this evaluation (PMID: 32191290, 39256447, 39854657). ClinVar contains an entry for this variant (Variation ID: 134098). Based on the evidence outlined above, the variant was classified as likely benign.

Dasa
Classification: Uncertain significance. Last evaluated: 2025-06-27. Review status: criteria provided, single submitter. Criteria: DASA Assertion Criteria. Collection method: clinical testing. Allele origin: germline.
Comment: NM_000400.4(ERCC2):c.47A>G (p.Tyr16Cys) is a missense variant that results in the substitution of tyrosine with cysteine. This classification is supported by population frequency inconsistent with a disease-causing role. Computational prediction algorithms are consistent with a deleterious effect. The currently available literature and clinical evidence are not sufficient to establish a definitive association between this variant and the reported condition. Therefore, this variant is classified as a variant of uncertain significance.

GeneDx
Classification: Uncertain significance. Last evaluated: 2024-09-09. Review status: criteria provided, single submitter. Criteria: GeneDx Variant Classification Process June 2021. Collection method: clinical testing. Allele origin: germline. Affected: yes.
Comment: In silico analysis supports that this missense variant has a deleterious effect on protein structure/function; This variant is associated with the following publications: (PMID: 32191290, 24728327, 26344056)

Laboratory of Molecular Epidemiology of Birth Defects, West China Second University Hospital, Sichuan University
Classification: Likely pathogenic for Ovarian cancer. Last evaluated: 2022-01-01. Review status: criteria provided, single submitter. Criteria: ACMG Guidelines, 2015. Collection method: clinical testing. Allele origin: germline. Affected: yes.

Sema4
Classification: Uncertain significance for Xeroderma pigmentosum. Last evaluated: 2021-12-01. Review status: criteria provided, single submitter. Criteria: Sema4 Curation Guidelines. Collection method: curation. Allele origin: germline.
Comment: To the best of our knowledge, the ERCC2 c.47A>G (p.Y16C) variant has not been reported in individuals with ERCC2-related disease. It has been reported in heterozygosity in at least two healthy control individuals (PMID: 24728327, 26344056). It was observed in 104/24928 chromosomes of the African/African American subpopulation, with no homozygotes, in the large and broad cohorts of the Genome Aggregation Database (PMID: 32461654). The variant has been reported in ClinVar (Variation ID 134098). In silico tools suggest the impact of the variant on protein function is deleterious, though these predictions have not been confirmed by functional studies. The evidence is insufficient to meet ACMG/AMP criteria for classifying the variant as benign or pathogenic. Thus, the clinical significance of this variant is currently uncertain.

Baylor Genetics
Classification: Uncertain significance for Trichothiodystrophy 1, photosensitive. Last evaluated: 2020-03-10. Review status: criteria provided, single submitter. Criteria: ACMG Guidelines, 2015. Collection method: clinical testing. Allele origin: unknown. Affected: yes. Study: CSER-TexasKidsCanSeq.
Comment: This variant was determined to be of uncertain significance according to ACMG Guidelines, 2015 [PMID:25741868].

Baylor Genetics
Classification: Uncertain significance for Cerebrooculofacioskeletal syndrome 2. Last evaluated: 2019-06-05. Review status: criteria provided, single submitter. Criteria: ACMG Guidelines, 2015. Collection method: clinical testing. Allele origin: unknown. Affected: yes.
Comment: the same text as in the submission from Baylor Genetics above.

Illumina Laboratory Services, Illumina
Classification: Likely benign for Xeroderma pigmentosum, group D. Last evaluated: 2018-01-12. Review status: criteria provided, single submitter. Criteria: ICSL Variant Classification Criteria 13 December 2019. Collection method: clinical testing. Allele origin: germline.
Comment: This variant was observed in the ICSL laboratory as part of a predisposition screen in an ostensibly healthy population. It had not been previously curated by ICSL or reported in the Human Gene Mutation Database (HGMD: prior to June 1st, 2018), and was therefore a candidate for classification through an automated scoring system. Utilizing variant allele frequency, disease prevalence and penetrance estimates, and inheritance mode, an automated score was calculated to assess if this variant is too frequent to cause the disease. Based on the score and internal cut-off values, a variant classified as likely benign is not then subjected to further curation. The score for this variant resulted in a classification of likely benign for this disease.

PreventionGenetics, part of Exact Sciences
Classification: Likely benign for ERCC2-related condition. Last evaluated: 2022-09-07. Review status: no assertion criteria provided. Collection method: clinical testing. Allele origin: germline. Not counted in ClinVar's aggregate classification.
Comment: This variant is classified as likely benign based on ACMG/AMP sequence variant interpretation guidelines (Richards et al. 2015 PMID: 25741868, with internal and published modifications).

ITMI
No classification provided. Condition: AllHighlyPenetrant. Last evaluated: 2013-09-19. Review status: no classification provided. Collection method: reference population. Allele origin: germline. Not counted in ClinVar's aggregate classification.
Comment: Please see associated publication for description of ethnicities

Literature cited by the submitters: PubMed 32191290 (cited by Women's Health and Genetics/Laboratory Corporation of America, LabCorp); PubMed 39256447 (cited by Women's Health and Genetics/Laboratory Corporation of America, LabCorp); PubMed 39854657 (cited by Women's Health and Genetics/Laboratory Corporation of America, LabCorp); PubMed 24728327 (cited by Sema4 and ITMI); PubMed 26344056 (cited by Sema4).